The following is an entry in ClinVar:

NM_000506.5(F2):c.1679G>A (p.Arg560Gln)

Gene: F2 (coagulation factor II, thrombin; plus strand). Cytogenetic location: 11p11.2.
Variant type: single nucleotide variant.
Coding change: c.1679G>A on transcript NM_000506.5 (MANE Select); coding-DNA position 1679, G replaced by A.
Protein change: p.Arg560Gln; replaces arginine 560 with glutamine.
Molecular consequence: missense variant.
Genome position (GRCh38, 1-based): chr11:46,739,072, G>A. VCF-style: chr11-46739072-G-A. GRCh37 (hg19) VCF-style: chr11-46760622-G-A.
Other names: short protein forms R560Q.
Identifiers: ClinVar variation 1303191 (VCV001303191.2), dbSNP rs779071898, ClinGen allele CA5967360.

ClinVar aggregate classification (germline): Uncertain significance (1 of 4 stars; one submission).

Allele frequency attached by ClinVar (database versions not stated): gnomAD exomes below 0.00001 and 0.00001; ExAC 0.00001; gnomAD 0.00001 and 0.00002; TOPMed 0.00001.
gnomAD v4.1: 7 of 1,614,082 alleles (0.00043%); highest among the groups gnomAD compares: African/African-American, 0.0013%; no homozygotes.

Submission:

GeneDx
Classification: Uncertain significance. Last evaluated: 2019-11-14. Review status: criteria provided, single submitter. Criteria: GeneDx Variant Classification Process June 2021. Collection method: clinical testing. Allele origin: germline. Affected: yes.
Comment: Not observed at a significant frequency in large population cohorts (Lek et al., 2016); In silico analysis, which includes protein predictors and evolutionary conservation, supports a deleterious effect; Reported as R517Q using alternate nomenclature in an individual with decreased fibrinogen clotting activity but no history of excessive bleeding or thrombosis (Henriksen et al., 1998); This variant is associated with the following publications: (PMID: 9490687)